The following is an entry in ClinVar:

NM_004667.6(HERC2):c.1252C>T (p.His418Tyr)

Gene: HERC2 (HECT and RLD domain containing E3 ubiquitin protein ligase 2; minus strand). Cytogenetic location: 15q13.1.
Variant type: single nucleotide variant.
Coding change: c.1252C>T on transcript NM_004667.6 (MANE Select); coding-DNA position 1252, C replaced by T.
Protein change: p.His418Tyr; replaces histidine 418 with tyrosine.
Molecular consequence: missense variant.
Genome position (GRCh38, 1-based): chr15:28,270,700, G>A on the plus strand (C>T on the coding strand, the complement: HERC2 is on the minus strand). VCF-style: chr15-28270700-G-A. GRCh37 (hg19) VCF-style: chr15-28515846-G-A.
Other names: short protein forms H418Y.
Identifiers: ClinVar variation 2136021 (VCV002136021.1), dbSNP rs1397034313, ClinGen allele CA391401626.

ClinVar aggregate classification (germline): Uncertain significance (1 of 4 stars; one submission).

Allele frequency attached by ClinVar (database versions not stated): TOPMed below 0.00001; gnomAD 0.00001.
gnomAD v4.1: 1 of 1,613,714 alleles (0.000062%); highest among the groups gnomAD compares: African/African-American, 0.0013%; no homozygotes.

Submission:

GeneDx
Classification: Uncertain significance. Last evaluated: 2022-07-21. Review status: criteria provided, single submitter. Criteria: GeneDx Variant Classification Process June 2021. Collection method: clinical testing. Allele origin: germline. Affected: yes.
Comment: Not observed at significant frequency in large population cohorts (gnomAD); In silico analysis supports that this missense variant does not alter protein structure/function; Has not been previously published as pathogenic or benign to our knowledge